The following is an entry in ClinVar:

NM_001007467.3(SFI1):c.450-8C>T

Gene: SFI1 (SFI1 centrin binding protein; plus strand). Cytogenetic location: 22q12.2.
Variant type: single nucleotide variant.
Coding change: c.450-8C>T on transcript NM_001007467.3 (MANE Select); 8 bases into the intron before coding-DNA position 450, C replaced by T.
Molecular consequence: intron variant.
Genome position (GRCh38, 1-based): chr22:31,550,246, C>T. VCF-style: chr22-31550246-C-T. GRCh37 (hg19) VCF-style: chr22-31946232-C-T.
Other names: c.378-8C>T (NM_001258325.1); c.450-8C>T (NM_014775.4); c.204-8C>T (NM_001258327.2, NM_001258326.2).
Identifiers: ClinVar variation 2653069 (VCV002653069.24), dbSNP rs779406040, ClinGen allele CA10193086.
Genomic context (GRCh38, chr22:31,550,246, plus strand): 5'-CAGGTGTGAGCCACCGCGCCCGGCCTGTTATTTTGAAGAAATGCCATTTACTTTTTTTGG[C>T]TCCTCAGGTATTACCTGTACAACCTGATGTTCCAGACGTGGAAGACCTATGTGCGTCAGC-3'

ClinVar aggregate classification (germline): Likely benign (1 of 4 stars; one submission).

Allele frequency attached by ClinVar (database versions not stated): ExAC 0.00002; gnomAD 0.00003; gnomAD exomes 0.00003; TOPMed 0.00003.
gnomAD v4.1: 49 of 1,610,530 alleles (0.003%); highest among the groups gnomAD compares: Middle Eastern, 0.033%; no homozygotes.

Submission:

CeGaT Center for Human Genetics Tuebingen
Classification: Likely benign. Last evaluated: 2022-10-01. Review status: criteria provided, single submitter. Criteria: CeGaT Center For Human Genetics Tuebingen Variant Classification Criteria Version 2. Collection method: clinical testing. Allele origin: germline. Affected: yes. Observed: 1 variant allele.
Comment: SFI1: BP4, BS2